The following is an entry in ClinVar:

ClinVar aggregate classification (germline): Pathogenic. Review status: criteria provided, multiple submitters, no conflicts (2 of 4 stars). 4 submissions from 4 submitters: Pathogenic (3). 1 of the submissions does not count toward it. Last evaluated 2026-02-06.

Conditions:
Ehlers-Danlos syndrome, periodontal type 2. Identifiers: OMIM 617174, MedGen C4310681, MONDO:0014954.
Complement component C1s deficiency. Also called: C1s deficiency; Complement 1s deficiency. Identifiers: MedGen C3151078, MONDO:0013419, OMIM 613783.

gnomAD v4.1: 11 of 1,614,176 alleles (0.00068%); highest among the groups gnomAD compares: South Asian, 0.0011%; no homozygotes.

Submissions (4):

Women's Health and Genetics/Laboratory Corporation of America, LabCorp
Classification: Pathogenic for Complement component C1s deficiency. Last evaluated: 2026-02-06. Review status: criteria provided, single submitter. Criteria: LabCorp Variant Classification Summary - May 2015. Collection method: clinical testing. Allele origin: germline.
Comment: Variant summary: C1S c.1567C>T (p.Arg523X) results in a premature termination codon in the last exon and is predicted to cause a truncation of the encoded protein which is a commonly known mechanism for disease, however, nonsense mediated decay is not expected to occur. The variant was absent in 251208 control chromosomes. c.1567C>T has been observed in at least one homozygous individual affected with Complement component C1s deficiency (Dragon-Durey_2001, El Sissy_2019). This patient exhibited <10% C1 functional activity, undetectable level of C1s Ag, and normal immunochemical levels of C1r and C1q associated with normal levels of C4, C2, and C3. The addition of purified C1s to the patients plasma restored its ability to sustain classical pathway activation and no C1s protein was detectable by Western blot (Dragon-Durey_2001). Additionally, at least one downstream variant has been classified as pathogenic (c.1789G>T, p.Glu597X), providing evidence that the region altered by the variant is critical to protein function. The following publications have been ascertained in the context of this evaluation (PMID: 11390518, 31440263). ClinVar contains an entry for this variant (Variation ID: 2137294). Based on the evidence outlined above, the variant was classified as pathogenic.

Labcorp Genetics (formerly Invitae), Labcorp
Classification: Pathogenic. Last evaluated: 2024-12-23. Review status: criteria provided, single submitter. Criteria: Invitae Variant Classification Sherloc (09022015). Collection method: clinical testing. Allele origin: germline.
Comment: This sequence change creates a premature translational stop signal (p.Arg523*) in the C1S gene. While this is not anticipated to result in nonsense mediated decay, it is expected to disrupt the last 166 amino acid(s) of the C1S protein. This variant is not present in population databases (gnomAD no frequency). This premature translational stop signal has been observed in individual(s) with autosomal recessive C1S-related conditions (PMID: 11390518). This variant is also known as R534X. ClinVar contains an entry for this variant (Variation ID: 2137294). Studies have shown that this premature translational stop signal alters C1S gene expression (PMID: 11390518). This variant disrupts a region of the C1S protein in which other variant(s) (p.Glu597*) have been determined to be pathogenic (PMID: 9973493, 19155518). This suggests that this is a clinically significant region of the protein, and that variants that disrupt it are likely to be disease-causing. For these reasons, this variant has been classified as Pathogenic.

Pittsburgh Clinical Genomics Laboratory, University of Pittsburgh Medical Center
Classification: Pathogenic for Ehlers-Danlos syndrome, periodontal type 2. Last evaluated: 2023-11-17. Review status: criteria provided, single submitter. Criteria: ACMG Guidelines, 2015. Collection method: clinical testing. Allele origin: germline. Inheritance: Autosomal unknown. Affected: yes.
Comment: This sequence variant is a single nucleotide substitution (C>T) at position 1567 of the coding sequence of the C1S gene that changes the Arg523 codon to an early termination codon. Though it falls the in final exon of C1S, cells from a patient homozygous for the variant have reduced C1S mRNA and undetectable complement C1s protein expression by western blot (PMID: 11390518). This variant removed the last 166 amino acids of the protein, including a majority of the peptidase S1 domain (UniProt). This is a previously reported variant (ClinVar 2137294) that has been observed in homozygous state in an individual affected by early onset multiple autoimmune disease (PMID: 11390518). This variant is present in 11/1461882 alleles in the gnomAD 4.0 population database. Based upon the evidence, we consider this variant to be pathogenic. ACMG Criteria: PM2, PS3, PVS1

OMIM
Classification: Pathogenic for C1s DEFICIENCY. Last evaluated: 2001-06-15. Review status: no assertion criteria provided. Collection method: literature only. Allele origin: germline. Not counted in ClinVar's aggregate classification.

Literature cited by the submitters: PubMed 31440263 (cited by Women's Health and Genetics/Laboratory Corporation of America, LabCorp); PubMed 11390518 (cited by 4 submitters); PubMed 9973493 (cited by Labcorp Genetics (formerly Invitae), Labcorp); PubMed 19155518 (cited by Labcorp Genetics (formerly Invitae), Labcorp).

NM_001734.5(C1S):c.1567C>T (p.Arg523Ter)

Gene: C1S (complement C1s; plus strand). Cytogenetic location: 12p13.31.
Variant type: single nucleotide variant.
Coding change: c.1567C>T on transcript NM_001734.5 (MANE Select); coding-DNA position 1567, C replaced by T.
Protein change: p.Arg523Ter; replaces arginine 523 with a stop codon.
Molecular consequence: nonsense.
Genome position (GRCh38, 1-based): chr12:7,070,151, C>T. VCF-style: chr12-7070151-C-T. GRCh37 (hg19) VCF-style: chr12-7177455-C-T.
Other names: C1S, ARG534TER; R534*; c.1066C>T, p.Arg356Ter (NM_001346850.2); c.1567C>T, p.Arg523Ter (NM_201442.4); short protein forms R523*, R356*.
Identifiers: ClinVar variation 2137294 (VCV002137294.7), dbSNP rs781856506, ClinGen allele CA383705192.